The following is an entry in ClinVar:

NM_002299.4(LCT):c.5111+1del

Gene: LCT (lactase; minus strand). Cytogenetic location: 2q21.3.
Variant type: Deletion.
Coding change: c.5111+1del on transcript NM_002299.4 (MANE Select); the canonical splice donor site of the intron after coding-DNA position 5111, one base deleted (G; older notation c.5111+1delG).
Molecular consequence: splice donor variant.
Genome position (GRCh38, 1-based): chr2:135,794,640, C deleted on the plus strand (G on the coding strand, the reverse complement: LCT is on the minus strand); the first of 2 consecutive C bases (chr2:135,794,640-135,794,641); deleting either gives the same sequence. VCF-style (leftmost placement, unchanged base first): chr2-135794639-AC-A. GRCh37 (hg19) VCF-style: chr2-136552209-AC-A.
Identifiers: ClinVar variation 1408255 (VCV001408255.6), dbSNP rs2105520379, ClinGen allele CA2573133177.

ClinVar aggregate classification (germline): Pathogenic (1 of 4 stars; one submission).

Submission:

Labcorp Genetics (formerly Invitae), Labcorp
Classification: Pathogenic. Last evaluated: 2021-04-11. Review status: criteria provided, single submitter. Criteria: Invitae Variant Classification Sherloc (09022015). Collection method: clinical testing. Allele origin: germline.
Comment: For these reasons, this variant has been classified as Pathogenic. Algorithms developed to predict the effect of sequence changes on RNA splicing suggest that this variant may disrupt the consensus splice site, but this prediction has not been confirmed by published transcriptional studies. This variant has not been reported in the literature in individuals with LCT-related conditions. This variant is not present in population databases (ExAC no frequency). This sequence change creates a premature translational stop signal (p.Arg1704Lysfs*19) in the LCT gene. It is expected to result in an absent or disrupted protein product. Loss-of-function variants in LCT are known to be pathogenic (PMID: 16400612, 25881162).

Literature cited by the submitters: PubMed 16400612; PubMed 25881162.